The following is an entry in ClinVar:

NM_000138.5(FBN1):c.1375C>G (p.Leu459Val)

Gene: FBN1 (fibrillin 1; minus strand). Cytogenetic location: 15q21.1.
Variant type: single nucleotide variant.
Coding change: c.1375C>G on transcript NM_000138.5 (MANE Select); coding-DNA position 1375, C replaced by G.
Protein change: p.Leu459Val; replaces leucine 459 with valine.
Molecular consequence: missense variant.
Genome position (GRCh38, 1-based): chr15:48,515,480, G>C on the plus strand (C>G on the coding strand, the complement: FBN1 is on the minus strand). VCF-style: chr15-48515480-G-C. GRCh37 (hg19) VCF-style: chr15-48807677-G-C.
Other names: c.1375C>G, p.Leu459Val (NM_001406716.1); short protein forms L459V.
Identifiers: ClinVar variation 4847221 (VCV004847221.1).

ClinVar aggregate classification (germline): Uncertain significance (1 of 4 stars; one submission).

Submission:

Women's Health and Genetics/Laboratory Corporation of America, LabCorp
Classification: Uncertain significance. Last evaluated: 2026-03-16. Review status: criteria provided, single submitter. Criteria: LabCorp Variant Classification Summary - May 2015. Collection method: clinical testing. Allele origin: germline.
Comment: Variant summary: FBN1 c.1375C>G (p.Leu459Val) results in a conservative amino acid change in the encoded protein sequence. Algorithms developed to predict the effect of missense changes on protein structure and function are either unavailable or do not agree on the potential impact of this missense change. The variant was absent in 251242 control chromosomes. The available data on variant occurrences in the general population are insufficient to allow any conclusion about variant significance. To our knowledge, no occurrence of c.1375C>G in individuals affected with FBN1-related conditions and no experimental evidence demonstrating its impact on protein function have been reported. No submitters have cited clinical-significance assessments for this variant to ClinVar. Based on the evidence outlined above, the variant was classified as uncertain significance.